The following is an entry in ClinVar:

ClinVar aggregate classification (germline): Uncertain significance. Review status: criteria provided, single submitter (1 of 4 stars). 2 submissions from 2 submitters: Uncertain significance (1). 1 of the submissions does not count toward it. Last evaluated 2026-01-02.

Conditions:
TRPC3-related disorder. Also called: TRPC3-related condition.

Allele frequency attached by ClinVar (database versions not stated): 1000 Genomes Project 30x 0.00016; ExAC 0.00018; 1000 Genomes Project 0.00020; gnomAD 0.00022; TOPMed 0.00023; ESP Exome Variant Server 0.00031.
gnomAD v4.1: 423 of 1,613,618 alleles (0.026%); highest among the groups gnomAD compares: Non-Finnish European, 0.028%; no homozygotes.

Submissions (2):

Labcorp Genetics (formerly Invitae), Labcorp
Classification: Uncertain significance. Last evaluated: 2026-01-02. Review status: criteria provided, single submitter. Criteria: Invitae Variant Classification Sherloc (09022015). Collection method: clinical testing. Allele origin: germline.
Comment: This sequence change replaces valine, which is neutral and non-polar, with methionine, which is neutral and non-polar, at codon 429 of the TRPC3 protein (p.Val429Met). This variant is present in population databases (rs150886370, gnomAD 0.2%), and has an allele count higher than expected for a pathogenic variant. This variant has not been reported in the literature in individuals affected with TRPC3-related conditions. ClinVar contains an entry for this variant (Variation ID: 2074509). Invitae Evidence Modeling of protein sequence and biophysical properties (such as structural, functional, and spatial information, amino acid conservation, physicochemical variation, residue mobility, and thermodynamic stability) indicates that this missense variant is not expected to disrupt TRPC3 protein function with a negative predictive value of 80%. In summary, the available evidence is currently insufficient to determine the role of this variant in disease. Therefore, it has been classified as a Variant of Uncertain Significance.

PreventionGenetics, part of Exact Sciences
Classification: Likely benign for TRPC3-related condition. Last evaluated: 2024-02-19. Review status: no assertion criteria provided. Collection method: clinical testing. Allele origin: germline. Not counted in ClinVar's aggregate classification.
Comment: This variant is classified as likely benign based on ACMG/AMP sequence variant interpretation guidelines (Richards et al. 2015 PMID: 25741868, with internal and published modifications).

NM_001130698.2(TRPC3):c.1285G>A (p.Val429Met)

Gene: TRPC3 (transient receptor potential cation channel subfamily C member 3; minus strand). Cytogenetic location: 4q27.
Variant type: single nucleotide variant.
Coding change: c.1285G>A on transcript NM_001130698.2 (MANE Select); coding-DNA position 1285, G replaced by A.
Protein change: p.Val429Met; replaces valine 429 with methionine.
Molecular consequence: missense variant.
Genome position (GRCh38, 1-based): chr4:121,914,836, C>T on the plus strand (G>A on the coding strand, the complement: TRPC3 is on the minus strand). VCF-style: chr4-121914836-C-T. GRCh37 (hg19) VCF-style: chr4-122835991-C-T.
Other names: c.1285G>A, p.Val429Met (NM_001366479.2); c.1066G>A, p.Val356Met (NM_003305.2); c.1285G>A (NM_001130698.1); short protein forms V356M, V429M.
Identifiers: ClinVar variation 2074509 (VCV002074509.6), dbSNP rs150886370, ClinGen allele CA3064979.